The following is an entry in ClinVar:

NM_000245.4(MET):c.2608G>T (p.Val870Phe)

Gene: MET (MET proto-oncogene, receptor tyrosine kinase; plus strand). Cytogenetic location: 7q31.2.
Variant type: single nucleotide variant.
Coding change: c.2608G>T on transcript NM_000245.4 (MANE Select); coding-DNA position 2608, G replaced by T.
Protein change: p.Val870Phe; replaces valine 870 with phenylalanine.
Molecular consequence: missense variant.
Genome position (GRCh38, 1-based): chr7:116,769,669, G>T. VCF-style: chr7-116769669-G-T. GRCh37 (hg19) VCF-style: chr7-116409723-G-T.
Other names: c.2662G>T, p.Val888Phe (NM_001127500.3); c.2608G>T, p.Val870Phe (NM_001324401.3); c.1318G>T, p.Val440Phe (NM_001324402.2); short protein forms V440F, V888F, V870F.
Identifiers: ClinVar variation 2561312 (VCV002561312.6), dbSNP rs2485766727, ClinGen allele CA368985358.
Genomic context (GRCh38, chr7:116,769,669, plus strand): 5'-AGTGTTAACAACCTTTTTTTTTTTTTTTCCTTTCAGGGAAATGATATTGACCCTGAAGCA[G>T]TTAAAGGTGAAGTGTTAAAAGTTGGAAATAAGAGCTGTGAGAATATACACTTACATTCTG-3'
Protein context (NP_000236.2, residues 860-880): IKGNDIDPEA[Val870Phe]KGEVLKVGNK

ClinVar aggregate classification (germline): Uncertain significance. Review status: criteria provided, multiple submitters, no conflicts (2 of 4 stars). 2 submissions from 2 submitters: Uncertain significance (2). Last evaluated 2025-07-19.

Conditions:
Hereditary cancer-predisposing syndrome. Also called: Neoplastic Syndromes, Hereditary; Hereditary Cancer Syndrome; Hereditary neoplastic syndrome; Tumor predisposition. Identifiers: Orphanet 140162, MedGen C0027672, MeSH D009386, MONDO:0015356.
Renal cell carcinoma. Identifiers: Orphanet 217071, MedGen C0007134, MeSH D002292, MONDO:0005086, HP:0005584.

Submissions (2):

Ambry Genetics
Classification: Uncertain significance for Hereditary cancer-predisposing syndrome. Last evaluated: 2025-07-19. Review status: criteria provided, single submitter. Criteria: Ambry Variant Classification Scheme 2023. Collection method: clinical testing. Allele origin: germline.
Comment: The p.V888F variant (also known as c.2662G>T), located in coding exon 11 of the MET gene, results from a G to T substitution at nucleotide position 2662. The valine at codon 888 is replaced by phenylalanine, an amino acid with highly similar properties. This amino acid position is highly conserved in available vertebrate species. In addition, the in silico prediction for this alteration is inconclusive. Since supporting evidence is limited at this time, the clinical significance of this alteration remains unclear.

Labcorp Genetics (formerly Invitae), Labcorp
Classification: Uncertain significance for Renal cell carcinoma. Last evaluated: 2024-04-10. Review status: criteria provided, single submitter. Criteria: Invitae Variant Classification Sherloc (09022015). Collection method: clinical testing. Allele origin: germline.
Comment: This sequence change replaces valine, which is neutral and non-polar, with phenylalanine, which is neutral and non-polar, at codon 888 of the MET protein (p.Val888Phe). This variant is not present in population databases (gnomAD no frequency). This variant has not been reported in the literature in individuals affected with MET-related conditions. ClinVar contains an entry for this variant (Variation ID: 2561312). Advanced modeling of protein sequence and biophysical properties (such as structural, functional, and spatial information, amino acid conservation, physicochemical variation, residue mobility, and thermodynamic stability) performed at Invitae indicates that this missense variant is expected to disrupt MET protein function with a positive predictive value of 80%. In summary, the available evidence is currently insufficient to determine the role of this variant in disease. Therefore, it has been classified as a Variant of Uncertain Significance.